The following is an entry in ClinVar:

ClinVar aggregate classification (germline): Uncertain significance (1 of 4 stars; one submission).

Conditions:
Hereditary cancer-predisposing syndrome. Also called: Tumor predisposition; Hereditary neoplastic syndrome; Hereditary Cancer Syndrome; Neoplastic Syndromes, Hereditary. Identifiers: Orphanet 140162, MedGen C0027672, MeSH D009386, MONDO:0015356.

Submission:

Ambry Genetics
Classification: Uncertain significance for Hereditary cancer-predisposing syndrome. Last evaluated: 2025-06-08. Review status: criteria provided, single submitter. Criteria: Ambry Variant Classification Scheme 2023. Collection method: clinical testing. Allele origin: germline.
Comment: The p.E1366D variant (also known as c.4098G>C), located in coding exon 33 of the TSC2 gene, results from a G to C substitution at nucleotide position 4098. The glutamic acid at codon 1366 is replaced by aspartic acid, an amino acid with highly similar properties. This amino acid position is conserved. In addition, the in silico prediction for this alteration is inconclusive. Based on the available evidence, the clinical significance of this variant remains unclear.

NM_000548.5(TSC2):c.4098G>C (p.Glu1366Asp)

Gene: TSC2 (TSC complex subunit 2; plus strand). Cytogenetic location: 16p13.3.
Variant type: single nucleotide variant.
Coding change: c.4098G>C on transcript NM_000548.5 (MANE Select); coding-DNA position 4098, G replaced by C.
Protein change: p.Glu1366Asp; replaces glutamic acid 1366 with aspartic acid.
Molecular consequence: missense variant. On other transcripts: non-coding transcript variant (5).
Genome position (GRCh38, 1-based): chr16:2,084,320, G>C. VCF-style: chr16-2084320-G-C. GRCh37 (hg19) VCF-style: chr16-2134321-G-C.
Other names: c.2553G>C, p.Glu851Asp (NM_001406697.1, NM_001406695.1, NM_001406696.1); c.2295G>C, p.Glu765Asp (NM_001406698.1); c.3969G>C, p.Glu1323Asp (NM_021055.3, NM_001370405.1); c.3966G>C, p.Glu1322Asp (NM_001370404.1); c.4095G>C, p.Glu1365Asp (NM_001406663.1); c.4026G>C, p.Glu1342Asp (NM_001406664.1); c.4020G>C, p.Glu1340Asp (NM_001406665.1); c.3990G>C, p.Glu1330Asp (NM_001406667.1); and 26 more; short protein forms E1100D, E1166D, E1300D, E1322D, E1323D, E1330D, E1342D, E851D.
Identifiers: ClinVar variation 3974701 (VCV003974701.1).